The following is an entry in ClinVar:

NM_001384732.1(CPLANE1):c.3713C>G (p.Pro1238Arg)

Gene: CPLANE1 (ciliogenesis and planar polarity effector complex subunit 1; minus strand). Cytogenetic location: 5p13.2.
Variant type: single nucleotide variant.
Coding change: c.3713C>G on transcript NM_001384732.1 (MANE Select); coding-DNA position 3713, C replaced by G.
Protein change: p.Pro1238Arg; replaces proline 1238 with arginine.
Molecular consequence: missense variant.
Genome position (GRCh38, 1-based): chr5:37,195,956, G>C on the plus strand (C>G on the coding strand, the complement: CPLANE1 is on the minus strand). VCF-style: chr5-37195956-G-C. GRCh37 (hg19) VCF-style: chr5-37196058-G-C.
Other names: c.3713C>G, p.Pro1238Arg (NM_023073.4); short protein forms P1238R.
Identifiers: ClinVar variation 1302651 (VCV001302651.2), dbSNP rs2151369270, ClinGen allele CA359510394.

ClinVar aggregate classification (germline): Uncertain significance (1 of 4 stars; one submission).

Submission:

GeneDx
Classification: Uncertain significance. Last evaluated: 2019-04-12. Review status: criteria provided, single submitter. Criteria: GeneDx Variant Classification Process June 2021. Collection method: clinical testing. Allele origin: germline. Affected: yes.
Comment: Has not been previously published as pathogenic or benign to our knowledge; In silico analysis, which includes protein predictors and evolutionary conservation, supports a deleterious effect; Not observed in large population cohorts (Lek et al., 2016)